The following is an entry in ClinVar:

NM_006000.3(TUBA4A):c.1128C>A (p.Cys376Ter)

Gene: TUBA4A (tubulin alpha 4a; minus strand). Cytogenetic location: 2q35.
Variant type: single nucleotide variant.
Coding change: c.1128C>A on transcript NM_006000.3 (MANE Select); coding-DNA position 1128, C replaced by A.
Protein change: p.Cys376Ter; replaces cysteine 376 with a stop codon.
Molecular consequence: nonsense.
Genome position (GRCh38, 1-based): chr2:219,250,571, G>T on the plus strand (C>A on the coding strand, the complement: TUBA4A is on the minus strand). VCF-style: chr2-219250571-G-T. GRCh37 (hg19) VCF-style: chr2-220115293-G-T.
Other names: c.1083C>A, p.Cys361Ter (NM_001278552.2); short protein forms C361*, C376*.
Identifiers: ClinVar variation 4874443 (VCV004874443.2).

ClinVar aggregate classification (germline): Uncertain significance (1 of 4 stars; one submission).

gnomAD v4.1: 2 of 1,614,246 alleles (0.00012%); highest among the groups gnomAD compares: Non-Finnish European, 0.00017%; no homozygotes.

Submission:

CeGaT Center for Human Genetics Tuebingen
Classification: Uncertain significance. Last evaluated: 2026-06-01. Review status: criteria provided, single submitter. Criteria: CeGaT Center For Human Genetics Tuebingen Variant Classification Criteria Version 2. Collection method: clinical testing. Allele origin: germline. Affected: yes. Observed: 1 variant allele.
Comment: TUBA4A: PM2, PVS1:Moderate